The following is an entry in ClinVar:

NM_024649.5(BBS1):c.1110+10A>G

Genes: BBS1 (Bardet-Biedl syndrome 1; plus strand), ZDHHC24 (zDHHC palmitoyltransferase 24; minus strand). Cytogenetic location: 11q13.2.
Variant type: single nucleotide variant.
Coding change: c.1110+10A>G on transcript NM_024649.5 (MANE Select); 10 bases into the intron after coding-DNA position 1110, A replaced by G.
Molecular consequence: intron variant.
Genome position (GRCh38, 1-based): chr11:66,523,892, A>G. VCF-style: chr11-66523892-A-G. GRCh37 (hg19) VCF-style: chr11-66291363-A-G.
Other names: c.*22-2426T>C (NM_001348571.2).
Identifiers: ClinVar variation 2822028 (VCV002822028.4), dbSNP rs1049915190, ClinGen allele CA224077268.
Genomic context (GRCh38, chr11:66,523,892, plus strand): 5'-GAGGTCCGCATTTATCGTGACAAGGCCCTGCTCAATGTCATCCACACCCCGGTGAGCCCC[A>G]TCTCCGGCATCTGCCACTCACTCCTCCTTGCCCTCGTCTCACCTCTGGGGCTTCTTAGCT-3'

ClinVar aggregate classification (germline): Likely benign. Review status: criteria provided, single submitter (1 of 4 stars). 2 submissions from 2 submitters: Likely benign (1). 1 of the submissions does not count toward it. Last evaluated 2023-09-27.

Conditions:
BBS1-related disorder. Also called: BBS1-related condition.
Bardet-Biedl syndrome (BBS). Identifiers: Orphanet 110, MedGen C0752166, MONDO:0015229.

Submissions (2):

Labcorp Genetics (formerly Invitae), Labcorp
Classification: Likely benign for Bardet-Biedl syndrome. Last evaluated: 2023-09-27. Review status: criteria provided, single submitter. Criteria: Invitae Variant Classification Sherloc (09022015). Collection method: clinical testing. Allele origin: germline.

PreventionGenetics, part of Exact Sciences
Classification: Likely benign for BBS1-related condition. Last evaluated: 2023-05-31. Review status: no assertion criteria provided. Collection method: clinical testing. Allele origin: germline. Not counted in ClinVar's aggregate classification.
Comment: This variant is classified as likely benign based on ACMG/AMP sequence variant interpretation guidelines (Richards et al. 2015 PMID: 25741868, with internal and published modifications).